The following is an entry in ClinVar:

ClinVar aggregate classification (germline): Uncertain significance (1 of 4 stars; one submission).

gnomAD v4.1: 9 of 1,609,324 alleles (0.00056%); highest among the groups gnomAD compares: African/African-American, 0.0013%; no homozygotes.

Submission:

Labcorp Genetics (formerly Invitae), Labcorp
Classification: Uncertain significance. Last evaluated: 2022-08-16. Review status: criteria provided, single submitter. Criteria: Invitae Variant Classification Sherloc (09022015). Collection method: clinical testing. Allele origin: germline.
Comment: This sequence change replaces alanine, which is neutral and non-polar, with serine, which is neutral and polar, at codon 735 of the COL18A1 protein (p.Ala735Ser). The frequency data for this variant in the population databases is considered unreliable, as metrics indicate poor data quality at this position in the gnomAD database. This variant has not been reported in the literature in individuals affected with COL18A1-related conditions. Experimental studies and prediction algorithms are not available or were not evaluated, and the functional significance of this variant is currently unknown. In summary, the available evidence is currently insufficient to determine the role of this variant in disease. Therefore, it has been classified as a Variant of Uncertain Significance.

NM_001379500.1(COL18A1):c.2203G>T (p.Ala735Ser)

Gene: COL18A1 (collagen type XVIII alpha 1 chain; plus strand). Cytogenetic location: 21q22.3.
Variant type: single nucleotide variant.
Coding change: c.2203G>T on transcript NM_001379500.1 (MANE Select); coding-DNA position 2203, G replaced by T.
Protein change: p.Ala735Ser; replaces alanine 735 with serine.
Molecular consequence: missense variant.
Genome position (GRCh38, 1-based): chr21:45,492,702, G>T. VCF-style: chr21-45492702-G-T. GRCh37 (hg19) VCF-style: chr21-46912616-G-T.
Other names: c.2743G>T, p.Ala915Ser (NM_030582.4); c.3448G>T, p.Ala1150Ser (NM_130444.3); short protein forms A915S, A735S, A1150S.
Identifiers: ClinVar variation 1997856 (VCV001997856.4), dbSNP rs372137898, ClinGen allele CA10066919.
Genomic context (GRCh38, chr21:45,492,702, plus strand): 5'-GAGGGTGCGTGATGACCCCAGCTGACGCCGTCCCTCTTTCCCCAGGGCCGGCCGGGTTTC[G>T]CAGGCTTTCCCGTGAGTAACCTGGTGCCAGAGCTGCATGCTGCCCGGCTGGGGAGGGGTC-3'
Protein context (NP_001366429.1, residues 725-745): VPGPEGRPGF[Ala735Ser]GFPGPAGPKG